The following is an entry in ClinVar:

NM_000093.5(COL5A1):c.*479G>A

Genes: COL5A1 (collagen type V alpha 1 chain; plus strand), LOC101448202 (uncharacterized LOC101448202; minus strand). Cytogenetic location: 9q34.3.
Variant type: single nucleotide variant.
Coding change: c.*479G>A on transcript NM_000093.5 (MANE Select); 479 bases downstream of the stop codon, G replaced by A.
Molecular consequence: 3 prime UTR variant.
Genome position (GRCh38, 1-based): chr9:134,842,782, G>A. VCF-style: chr9-134842782-G-A. GRCh37 (hg19) VCF-style: chr9-137734628-G-A.
Other names: c.*479G>A (NM_001278074.1).
Identifiers: ClinVar variation 913787 (VCV000913787.5), dbSNP rs184272423, ClinGen allele CA201120432.

ClinVar aggregate classification (germline): Benign (1 of 4 stars; one submission).

Conditions:
Ehlers-Danlos syndrome, classic type (cEDS). Identifiers: Orphanet 287, MedGen C4225429, MONDO:0007522.

Allele frequency attached by ClinVar (database versions not stated): gnomAD 0.00018 and 0.00034; 1000 Genomes Project 30x 0.00031; 1000 Genomes Project 0.00040; TOPMed 0.00041.

Submission:

Illumina Laboratory Services, Illumina
Classification: Benign for Ehlers-Danlos syndrome, classic type, 1. Last evaluated: 2018-01-13. Review status: criteria provided, single submitter. Criteria: ICSL Variant Classification Criteria 13 December 2019. Collection method: clinical testing. Allele origin: germline.
Comment: This variant was observed in the ICSL laboratory as part of a predisposition screen in an ostensibly healthy population. It had not been previously curated by ICSL or reported in the Human Gene Mutation Database (HGMD: prior to June 1st, 2018), and was therefore a candidate for classification through an automated scoring system. Utilizing variant allele frequency, disease prevalence and penetrance estimates, and inheritance mode, an automated score was calculated to assess if this variant is too frequent to cause the disease. Based on the score and internal cut-off values, a variant classified as benign is not then subjected to further curation. The score for this variant resulted in a classification of benign for this disease.